The following is an entry in ClinVar:

NM_024665.7(TBL1XR1):c.472C>A (p.Pro158Thr)

Gene: TBL1XR1 (TBL1X/Y related 1; minus strand). Cytogenetic location: 3q26.32.
Variant type: single nucleotide variant.
Coding change: c.472C>A on transcript NM_024665.7 (MANE Select); coding-DNA position 472, C replaced by A.
Protein change: p.Pro158Thr; replaces proline 158 with threonine.
Molecular consequence: missense variant.
Genome position (GRCh38, 1-based): chr3:177,050,566, G>T on the plus strand (C>A on the coding strand, the complement: TBL1XR1 is on the minus strand). VCF-style: chr3-177050566-G-T. GRCh37 (hg19) VCF-style: chr3-176768354-G-T.
Other names: c.472C>A, p.Pro158Thr (NM_001321193.3, NM_001321194.3, NM_001374327.1 and 2 more transcripts); c.211C>A, p.Pro71Thr (NM_001321195.3, NM_001374330.1); short protein forms P158T, P71T.
Identifiers: ClinVar variation 1805524 (VCV001805524.1), dbSNP rs2473725139, ClinGen allele CA355552911.

ClinVar aggregate classification (germline): Uncertain significance (1 of 4 stars; one submission).

Conditions:
Intellectual developmental disorder, autosomal dominant 41. Also called: Intellectual disability, autosomal dominant 41. Identifiers: Orphanet 2823, MedGen C4310784, MONDO:0014842, OMIM 616944.

Submission:

Victorian Clinical Genetics Services, Murdoch Childrens Research Institute
Classification: Uncertain significance for Intellectual developmental disorder, autosomal dominant 41. Last evaluated: 2019-08-28. Review status: criteria provided, single submitter. Criteria: ACMG Guidelines, 2015. Collection method: clinical testing. Allele origin: germline. Inheritance: Autosomal dominant inheritance. Affected: yes.
Comment: A heterozygous missense variant was identified, NM_024665.5(TBL1XR1):c.472C>A in exon 6 of 16 of the TBL1XR1 gene. This substitution is predicted to create a minor amino acid change from proline to threonine at position 158 of the protein, NP_078941.2(TBL1XR1):p.(Pro158Thr). The proline at this position has high conservation (100 vertebrates, UCSC), but is not situated in a known functional domain. In silico software predictions of the pathogenicity of this variant are conflicting (Polyphen, SIFT, CADD, Mutation Taster). It is not present in the gnomAD population database, and has not been previously reported in clinical cases. Based on information available at the time of curation, this variant has been classified as a VARIANT of UNCERTAIN SIGNIFICANCE (VUS).